The following is an entry in ClinVar:

NM_000038.6(APC):c.5863G>A (p.Ala1955Thr)

Gene: APC (APC regulator of Wnt signaling pathway; plus strand). Cytogenetic location: 5q22.2.
Variant type: single nucleotide variant.
Coding change: c.5863G>A on transcript NM_000038.6 (MANE Select); coding-DNA position 5863, G replaced by A.
Protein change: p.Ala1955Thr; replaces alanine 1955 with threonine.
Molecular consequence: missense variant.
Genome position (GRCh38, 1-based): chr5:112,841,457, G>A. VCF-style: chr5-112841457-G-A. GRCh37 (hg19) VCF-style: chr5-112177154-G-A.
Other names: c.5809G>A, p.Ala1937Thr (NM_001127511.3); c.5863G>A, p.Ala1955Thr (NM_001354895.2, NM_001127510.3); c.5788G>A, p.Ala1930Thr (NM_001354898.2); c.5779G>A, p.Ala1927Thr (NM_001354899.2); c.5740G>A, p.Ala1914Thr (NM_001354900.2); c.5686G>A, p.Ala1896Thr (NM_001354901.2); c.5917G>A, p.Ala1973Thr (NM_001354896.2); c.5893G>A, p.Ala1965Thr (NM_001354897.2); and 5 more; short protein forms A1829T, A1854T, A1864T, A1914T, A1927T, A1930T, A1795T, A1955T.
Identifiers: ClinVar variation 826019 (VCV000826019.13), dbSNP rs1580664835, ClinGen allele CA16034160.

ClinVar aggregate classification (germline): Uncertain significance. Review status: criteria provided, multiple submitters, no conflicts (2 of 4 stars). 2 submissions from 2 submitters: Uncertain significance (2). Last evaluated 2025-04-22.

Conditions:
Hereditary cancer-predisposing syndrome. Also called: Neoplastic Syndromes, Hereditary; Tumor predisposition; Hereditary neoplastic syndrome; Hereditary Cancer Syndrome. Identifiers: Orphanet 140162, MedGen C0027672, MeSH D009386, MONDO:0015356.
Familial adenomatous polyposis 1 (FAP1). Also called: POLYPOSIS, ADENOMATOUS INTESTINAL; FAMILIAL ADENOMATOUS POLYPOSIS 1, ATTENUATED. Identifiers: MedGen C2713442, MONDO:0021056, OMIM 175100. Disease mechanism: loss of function.

Submissions (2):

Ambry Genetics
Classification: Uncertain significance for Hereditary cancer-predisposing syndrome. Last evaluated: 2025-04-22. Review status: criteria provided, single submitter. Criteria: Ambry Variant Classification Scheme 2023. Collection method: clinical testing. Allele origin: germline.
Comment: The p.A1955T variant (also known as c.5863G>A), located in coding exon 15 of the APC gene, results from a G to A substitution at nucleotide position 5863. The alanine at codon 1955 is replaced by threonine, an amino acid with similar properties. This amino acid position is well conserved in available vertebrate species. In addition, in silico predictors for this gene do not accurately predict pathogenicity. Missense alterations in APC are not a common cause of disease (Spier I et al. Genet Med. 2024 Feb;26(2):100992). Based on the available evidence, the clinical significance of this variant remains unclear.

Labcorp Genetics (formerly Invitae), Labcorp
Classification: Uncertain significance for Familial adenomatous polyposis 1. Last evaluated: 2021-06-13. Review status: criteria provided, single submitter. Criteria: Invitae Variant Classification Sherloc (09022015). Collection method: clinical testing. Allele origin: germline.
Comment: In summary, the available evidence is currently insufficient to determine the role of this variant in disease. Therefore, it has been classified as a Variant of Uncertain Significance. Algorithms developed to predict the effect of missense changes on protein structure and function are either unavailable or do not agree on the potential impact of this missense change (SIFT: "Tolerated"; PolyPhen-2: "Possibly Damaging"; Align-GVGD: "Class C0"). This variant has not been reported in the literature in individuals with APC-related conditions. ClinVar contains an entry for this variant (Variation ID: 826019). This variant is not present in population databases (ExAC no frequency). This sequence change replaces alanine with threonine at codon 1955 of the APC protein (p.Ala1955Thr). The alanine residue is highly conserved and there is a small physicochemical difference between alanine and threonine.